The following is an entry in ClinVar:

ClinVar aggregate classification (germline): Likely pathogenic (1 of 4 stars; one submission).

Conditions:
Multiple acyl-CoA dehydrogenase deficiency (MADD). Also called: Glutaric aciduria, type 2; Glutaric acidemia type II; GA 2; Glutaric Acidemia type 2; ETHYLMALONIC-ADIPICACIDURIA; GA II. Identifiers: Orphanet 26791, MedGen C0268596, MONDO:0009282, OMIM 231680.

Submission:

Labcorp Genetics (formerly Invitae), Labcorp
Classification: Likely pathogenic for Multiple acyl-CoA dehydrogenase deficiency. Last evaluated: 2023-08-03. Review status: criteria provided, single submitter. Criteria: Invitae Variant Classification Sherloc (09022015). Collection method: clinical testing. Allele origin: germline.
Comment: In summary, the currently available evidence indicates that the variant is pathogenic, but additional data are needed to prove that conclusively. Therefore, this variant has been classified as Likely Pathogenic. Algorithms developed to predict the effect of sequence changes on RNA splicing suggest that this variant may disrupt the consensus splice site. This sequence change affects a donor splice site in intron 4 of the ETFA gene. It is expected to disrupt RNA splicing. Variants that disrupt the donor or acceptor splice site typically lead to a loss of protein function (PMID: 16199547), and loss-of-function variants in ETFA are known to be pathogenic (PMID: 16510302, 23785301). This variant is not present in population databases (gnomAD no frequency). This variant has not been reported in the literature in individuals affected with ETFA-related conditions.

Literature cited by the submitters: PubMed 16199547; PubMed 16510302; PubMed 23785301.

NM_000126.4(ETFA):c.351+2T>C

Gene: ETFA (electron transfer flavoprotein subunit alpha; minus strand). Cytogenetic location: 15q24.2.
Variant type: single nucleotide variant.
Coding change: c.351+2T>C on transcript NM_000126.4 (MANE Select); the canonical splice donor site of the intron after coding-DNA position 351, T replaced by C.
Molecular consequence: splice donor variant.
Genome position (GRCh38, 1-based): chr15:76,292,429, A>G on the plus strand (T>C on the coding strand, the complement: ETFA is on the minus strand). VCF-style: chr15-76292429-A-G. GRCh37 (hg19) VCF-style: chr15-76584770-A-G.
Other names: c.204+2T>C (NM_001127716.2).
Identifiers: ClinVar variation 2868813 (VCV002868813.3), dbSNP rs2543032159, ClinGen allele CA393516617.